The following is an entry in ClinVar:

NM_000282.4(PCCA):c.915C>A (p.Ser305Arg)

Gene: PCCA (propionyl-CoA carboxylase subunit alpha; plus strand). Cytogenetic location: 13q32.3.
Variant type: single nucleotide variant.
Coding change: c.915C>A on transcript NM_000282.4 (MANE Select); coding-DNA position 915, C replaced by A.
Protein change: p.Ser305Arg; replaces serine 305 with arginine.
Molecular consequence: missense variant. On other transcripts: 5 prime UTR variant (3), non-coding transcript variant (5).
Genome position (GRCh38, 1-based): chr13:100,273,196, C>A. VCF-style: chr13-100273196-C-A. GRCh37 (hg19) VCF-style: chr13-100925450-C-A.
Other names: c.837C>A, p.Ser279Arg (NM_001127692.3, NM_001352607.2, NM_001352608.2); c.915C>A, p.Ser305Arg (NM_001178004.2, NM_001352605.2, NM_001352606.2 and 1 more transcripts); c.-31C>A (NM_001352610.2, NM_001352611.2, NM_001352612.2); short protein forms S279R, S305R.
Identifiers: ClinVar variation 2802054 (VCV002802054.3), dbSNP rs768758704, ClinGen allele CA388694672.

ClinVar aggregate classification (germline): Uncertain significance (1 of 4 stars; one submission).

Conditions:
Propionic acidemia (PROP). Also called: GLYCINEMIA, KETOTIC; HYPERGLYCINEMIA WITH KETOACIDOSIS AND LEUKOPENIA; KETOTIC HYPERGLYCINEMIA. Identifiers: Orphanet 35, MedGen C0268579, MONDO:0011628, OMIM 606054, HP:0003571.

Submission:

Labcorp Genetics (formerly Invitae), Labcorp
Classification: Uncertain significance for Propionic acidemia. Last evaluated: 2023-03-18. Review status: criteria provided, single submitter. Criteria: Invitae Variant Classification Sherloc (09022015). Collection method: clinical testing. Allele origin: germline.
Comment: In summary, the available evidence is currently insufficient to determine the role of this variant in disease. Therefore, it has been classified as a Variant of Uncertain Significance. An algorithm developed to predict the effect of missense changes on protein structure and function (PolyPhen-2) suggests that this variant is likely to be disruptive. This variant has not been reported in the literature in individuals affected with PCCA-related conditions. This variant is not present in population databases (gnomAD no frequency). This sequence change replaces serine, which is neutral and polar, with arginine, which is basic and polar, at codon 305 of the PCCA protein (p.Ser305Arg).